The following is an entry in ClinVar:

NM_003072.5(SMARCA4):c.2246T>C (p.Met749Thr)

Gene: SMARCA4 (SWI/SNF related BAF chromatin remodeling complex subunit ATPase 4; plus strand). Cytogenetic location: 19p13.2.
Variant type: single nucleotide variant.
Coding change: c.2246T>C on transcript NM_003072.5 (MANE Select); coding-DNA position 2246, T replaced by C.
Protein change: p.Met749Thr; replaces methionine 749 with threonine.
Molecular consequence: missense variant. On other transcripts: non-coding transcript variant (1).
Genome position (GRCh38, 1-based): chr19:11,010,503, T>C. VCF-style: chr19-11010503-T-C. GRCh37 (hg19) VCF-style: chr19-11121179-T-C.
Other names: c.2246T>C, p.Met749Thr (NM_001128844.3, NM_001128845.2, NM_001128846.2 and 5 more transcripts); short protein forms M749T.
Identifiers: ClinVar variation 484901 (VCV000484901.14), dbSNP rs1555773400, ClinGen allele CA404052917.

ClinVar aggregate classification (germline): Uncertain significance. Review status: criteria provided, multiple submitters, no conflicts (2 of 4 stars). 2 submissions from 2 submitters: Uncertain significance (2). Last evaluated 2025-10-07.

Conditions:
Hereditary cancer-predisposing syndrome. Also called: Neoplastic Syndromes, Hereditary; Tumor predisposition; Hereditary Cancer Syndrome; Hereditary neoplastic syndrome. Identifiers: Orphanet 140162, MedGen C0027672, MeSH D009386, MONDO:0015356.
Rhabdoid tumor predisposition syndrome 2 (RTPS2). Identifiers: Orphanet 231108, Orphanet 69077, MedGen C2750074, MONDO:0013224, OMIM 613325.

Allele frequency attached by ClinVar (database versions not stated): gnomAD exomes below 0.00001.
gnomAD v4.1: 2 of 1,614,026 alleles (0.00012%); highest among the groups gnomAD compares: Non-Finnish European, 0.000085%; no homozygotes.

Submissions (2):

Ambry Genetics
Classification: Uncertain significance for Hereditary cancer-predisposing syndrome. Last evaluated: 2025-10-07. Review status: criteria provided, single submitter. Criteria: Ambry Variant Classification Scheme 2023. Collection method: clinical testing. Allele origin: germline.
Comment: The p.M749T variant (also known as c.2246T>C), located in coding exon 14 of the SMARCA4 gene, results from a T to C substitution at nucleotide position 2246. The methionine at codon 749 is replaced by threonine, an amino acid with similar properties. This variant was detected as heterozygous in individual(s) with no reported features of Coffin-Siris syndrome (Ambry internal data).This amino acid position is well conserved in available vertebrate species. In addition, the in silico prediction for this alteration is inconclusive. Missense and in-frame variants in SMARCA4 are known to cause neurodevelopmental disorders; however, such associations with rhabdoid tumor predisposition syndrome including small cell carcinoma of the ovary-hypercalcemic type (SCCOHT) are exceedingly rare (Kosho T et al. Am J Med Genet C Semin Med Genet. 2014 Sep;166C(3):262-75; Jelinic P et al. Nat Genet. 2014 May;46(5):424-6). Based on the supporting evidence, the association of this alteration with rhabdoid tumor predisposition syndrome is unknown; however, the association of this alteration with Coffin-Siris syndrome is unlikely.

Labcorp Genetics (formerly Invitae), Labcorp
Classification: Uncertain significance for Rhabdoid tumor predisposition syndrome 2. Last evaluated: 2025-08-07. Review status: criteria provided, single submitter. Criteria: Invitae Variant Classification Sherloc (09022015). Collection method: clinical testing. Allele origin: germline.
Comment: This sequence change replaces methionine, which is neutral and non-polar, with threonine, which is neutral and polar, at codon 749 of the SMARCA4 protein (p.Met749Thr). This variant is not present in population databases (gnomAD no frequency). This variant has not been reported in the literature in individuals affected with SMARCA4-related conditions. ClinVar contains an entry for this variant (Variation ID: 484901). Invitae Evidence Modeling of protein sequence and biophysical properties (such as structural, functional, and spatial information, amino acid conservation, physicochemical variation, residue mobility, and thermodynamic stability) indicates that this missense variant is expected to disrupt SMARCA4 protein function with a positive predictive value of 95%. In summary, the available evidence is currently insufficient to determine the role of this variant in disease. Therefore, it has been classified as a Variant of Uncertain Significance.